The following is an entry in ClinVar:

NM_003500.4(ACOX2):c.103C>T (p.Arg35Trp)

Gene: ACOX2 (acyl-CoA oxidase 2; minus strand). Cytogenetic location: 3p14.3.
Variant type: single nucleotide variant.
Coding change: c.103C>T on transcript NM_003500.4 (MANE Select); coding-DNA position 103, C replaced by T.
Protein change: p.Arg35Trp; replaces arginine 35 with tryptophan.
Molecular consequence: missense variant.
Genome position (GRCh38, 1-based): chr3:58,535,004, G>A on the plus strand (C>T on the coding strand, the complement: ACOX2 is on the minus strand). VCF-style: chr3-58535004-G-A. GRCh37 (hg19) VCF-style: chr3-58520731-G-A.
Other names: short protein forms R35W.
Identifiers: ClinVar variation 779872 (VCV000779872.12), dbSNP rs142584671, ClinGen allele CA2472540.

ClinVar aggregate classification (germline): Likely benign. Review status: criteria provided, multiple submitters, no conflicts (2 of 4 stars). 3 submissions from 3 submitters: Likely benign (2). 1 of the submissions does not count toward it. Last evaluated 2025-12-18.

Conditions:
ACOX2-related disorder. Also called: ACOX2-related condition.

Allele frequency attached by ClinVar (database versions not stated): gnomAD 0.00045; 1000 Genomes Project 0.00060; 1000 Genomes Project 30x 0.00062; ExAC 0.00068; TOPMed 0.00068; gnomAD exomes 0.00069; ESP Exome Variant Server 0.00077.
gnomAD v4.1: 1,117 of 1,614,190 alleles (0.069%); highest among the groups gnomAD compares: East Asian, 0.29%; 3 homozygotes.

Submissions (3):

Labcorp Genetics (formerly Invitae), Labcorp
Classification: Likely benign. Last evaluated: 2025-12-18. Review status: criteria provided, single submitter. Criteria: Invitae Variant Classification Sherloc (09022015). Collection method: clinical testing. Allele origin: germline.

Blueprint Genetics
Classification: Likely benign. Last evaluated: 2024-07-29. Review status: criteria provided, single submitter. Criteria: ACMG Guidelines, 2015. Collection method: clinical testing. Allele origin: germline.

PreventionGenetics, part of Exact Sciences
Classification: Likely benign for ACOX2-related condition. Last evaluated: 2022-01-31. Review status: no assertion criteria provided. Collection method: clinical testing. Allele origin: germline. Not counted in ClinVar's aggregate classification.
Comment: This variant is classified as likely benign based on ACMG/AMP sequence variant interpretation guidelines (Richards et al. 2015 PMID: 25741868, with internal and published modifications).